The following is an entry in ClinVar:

ClinVar aggregate classification (germline): Uncertain significance (1 of 4 stars; one submission).

Conditions:
Cardiomyopathy (CMYO). Also called: Cardiomyopathies. Identifiers: Orphanet 167848, MedGen C0878544, MONDO:0004994, HP:0001638. Inheritance: Various modes of inheritance.

Allele frequency attached by ClinVar (database versions not stated): TOPMed below 0.00001; gnomAD 0.00001.
gnomAD v4.1: 1 of 1,589,420 alleles (0.000063%); highest among the groups gnomAD compares: East Asian, 0.0022%; no homozygotes.

Submission:

Color Diagnostics, LLC DBA Color Health
Classification: Uncertain significance for Cardiomyopathy. Last evaluated: 2024-03-06. Review status: criteria provided, single submitter. Criteria: ACMG Guidelines, 2015. Collection method: clinical testing. Allele origin: germline.
Comment: This missense variant replaces glutamine with proline at codon 1895 of the RYR2 protein. Computational prediction tool is inconclusive regarding the impact of this variant on protein structure and function (internally defined REVEL score threshold 0.5 < inconclusive < 0.7, PMID: 27666373). Splice site prediction tools suggest that this variant may not impact RNA splicing. To our knowledge, functional studies have not been performed for this variant. This variant has not been reported in individuals affected with cardiovascular disorders in the literature. This variant has been identified in 1/31396 chromosomes in the general population by the Genome Aggregation Database (gnomAD). The available evidence is insufficient to determine the role of this variant in disease conclusively. Therefore, this variant is classified as a Variant of Uncertain Significance.

NM_001035.3(RYR2):c.5684A>C (p.Gln1895Pro)

Gene: RYR2 (ryanodine receptor 2; plus strand). Cytogenetic location: 1q43.
Variant type: single nucleotide variant.
Coding change: c.5684A>C on transcript NM_001035.3 (MANE Select); coding-DNA position 5684, A replaced by C.
Protein change: p.Gln1895Pro; replaces glutamine 1895 with proline.
Molecular consequence: missense variant.
Genome position (GRCh38, 1-based): chr1:237,614,812, A>C. VCF-style: chr1-237614812-A-C. GRCh37 (hg19) VCF-style: chr1-237778112-A-C.
Other names: short protein forms Q1895P.
Identifiers: ClinVar variation 923739 (VCV000923739.4), dbSNP rs1468884704, ClinGen allele CA345405887.
Genomic context (GRCh38, chr1:237,614,812, plus strand): 5'-TGCAAGGAGCTGGTGAGGAAGAAGCCAAGGGGGGCAAGCGGCCCAAGGAAGGCCTGCTCC[A>C]AATGAAACTGCCAGAGCCAGTTAAATTGCAGGTAATCAGAACAAGAGACTTGAGTGAATT-3'
Protein context (NP_001026.2, residues 1885-1905): GGKRPKEGLL[Gln1895Pro]MKLPEPVKLQ